The following is an entry in ClinVar:

NM_000391.4(TPP1):c.118C>T (p.Arg40Cys)

Gene: TPP1 (tripeptidyl peptidase 1; minus strand). Cytogenetic location: 11p15.4.
Variant type: single nucleotide variant.
Coding change: c.118C>T on transcript NM_000391.4 (MANE Select); coding-DNA position 118, C replaced by T.
Protein change: p.Arg40Cys; replaces arginine 40 with cysteine.
Molecular consequence: missense variant.
Genome position (GRCh38, 1-based): chr11:6,618,887, G>A on the plus strand (C>T on the coding strand, the complement: TPP1 is on the minus strand). VCF-style: chr11-6618887-G-A. GRCh37 (hg19) VCF-style: chr11-6640118-G-A.
Other names: short protein forms R40C.
Identifiers: ClinVar variation 196263 (VCV000196263.15), dbSNP rs794727482, ClinGen allele CA243152.

ClinVar aggregate classification (germline): Uncertain significance. Review status: criteria provided, multiple submitters, no conflicts (2 of 4 stars). 6 submissions from 6 submitters: Uncertain significance (5). 1 of the submissions does not count toward it. Last evaluated 2024-10-15.

Conditions:
Inborn genetic diseases. Identifiers: MedGen C0950123, MeSH D030342.
Neuronal ceroid lipofuscinosis 2. Also called: TPP1-Related Neuronal Ceroid-Lipofuscinosis; JANSKY-BIELSCHOWSKY DISEASE NEURONAL CEROID LIPOFUSCINOSIS, LATE INFANTILE. Identifiers: Orphanet 168491, Orphanet 228349, Orphanet 79264, MedGen C1876161, MONDO:0008769, OMIM 204500.

Allele frequency attached by ClinVar (database versions not stated): gnomAD exomes below 0.00001 and 0.00002; gnomAD 0.00001; TOPMed 0.00004.
gnomAD v4.1: 26 of 1,613,668 alleles (0.0016%); highest among the groups gnomAD compares: East Asian, 0.0067%; no homozygotes.

Submissions (6):

Labcorp Genetics (formerly Invitae), Labcorp
Classification: Uncertain significance. Last evaluated: 2024-10-15. Review status: criteria provided, single submitter. Criteria: Invitae Variant Classification Sherloc (09022015). Collection method: clinical testing. Allele origin: germline.
Comment: This sequence change replaces arginine, which is basic and polar, with cysteine, which is neutral and slightly polar, at codon 40 of the TPP1 protein (p.Arg40Cys). This variant is present in population databases (rs794727482, gnomAD 0.0009%). This variant has not been reported in the literature in individuals affected with TPP1-related conditions. ClinVar contains an entry for this variant (Variation ID: 196263). Invitae Evidence Modeling of protein sequence and biophysical properties (such as structural, functional, and spatial information, amino acid conservation, physicochemical variation, residue mobility, and thermodynamic stability) indicates that this missense variant is expected to disrupt TPP1 protein function with a positive predictive value of 95%. In summary, the available evidence is currently insufficient to determine the role of this variant in disease. Therefore, it has been classified as a Variant of Uncertain Significance.

Ambry Genetics
Classification: Uncertain significance for Inborn genetic diseases. Last evaluated: 2024-07-22. Review status: criteria provided, single submitter. Criteria: Ambry Variant Classification Scheme 2023. Collection method: clinical testing. Allele origin: germline.

Blueprint Genetics
Classification: Uncertain significance. Last evaluated: 2022-09-23. Review status: criteria provided, single submitter. Criteria: ACMG Guidelines, 2015. Collection method: clinical testing. Allele origin: germline.

GeneDx
Classification: Uncertain significance. Last evaluated: 2021-05-11. Review status: criteria provided, single submitter. Criteria: GeneDx Variant Classification Process June 2021. Collection method: clinical testing. Allele origin: germline. Affected: yes.
Comment: Not observed at a significant frequency in large population cohorts (Lek et al., 2016); In silico analysis supports that this missense variant has a deleterious effect on protein structure/function; Has not been previously published as pathogenic or benign to our knowledge

Eurofins Ntd Llc (ga)
Classification: Uncertain significance. Last evaluated: 2014-11-30. Review status: criteria provided, single submitter. Criteria: EGL Classification Definitions 2015. Collection method: clinical testing. Allele origin: germline. Observed: 1 variant allele, 1 heterozygote.

Natera, Inc.
Classification: Uncertain significance for Neuronal ceroid lipofuscinosis 2. Last evaluated: 2020-09-16. Review status: no assertion criteria provided. Collection method: clinical testing. Allele origin: germline. Not counted in ClinVar's aggregate classification.